The following is an entry in ClinVar:

ClinVar aggregate classification (germline): Uncertain significance (1 of 4 stars; one submission).

Conditions:
Propionic acidemia (PROP). Also called: GLYCINEMIA, KETOTIC; HYPERGLYCINEMIA WITH KETOACIDOSIS AND LEUKOPENIA; KETOTIC HYPERGLYCINEMIA. Identifiers: Orphanet 35, MedGen C0268579, MONDO:0011628, OMIM 606054, HP:0003571.

Allele frequency attached by ClinVar (database versions not stated): gnomAD exomes below 0.00001; ExAC 0.00004.
gnomAD v4.1: 8 of 1,422,404 alleles (0.00056%); highest among the groups gnomAD compares: South Asian, 0.0023%; no homozygotes.

Submission:

Labcorp Genetics (formerly Invitae), Labcorp
Classification: Uncertain significance for Propionic acidemia. Last evaluated: 2022-04-12. Review status: criteria provided, single submitter. Criteria: Invitae Variant Classification Sherloc (09022015). Collection method: clinical testing. Allele origin: germline.
Comment: This sequence change falls in intron 18 of the PCCA gene. It does not directly change the encoded amino acid sequence of the PCCA protein. It affects a nucleotide within the consensus splice site. This variant is present in population databases (rs748896177, gnomAD 0.006%). This variant has not been reported in the literature in individuals affected with PCCA-related conditions. Variants that disrupt the consensus splice site are a relatively common cause of aberrant splicing (PMID: 17576681, 9536098). Algorithms developed to predict the effect of sequence changes on RNA splicing suggest that this variant is not likely to affect RNA splicing. In summary, the available evidence is currently insufficient to determine the role of this variant in disease. Therefore, it has been classified as a Variant of Uncertain Significance.

Literature cited by the submitters: PubMed 17576681; PubMed 9536098.

NM_000282.4(PCCA):c.1643+6G>A

Gene: PCCA (propionyl-CoA carboxylase subunit alpha; plus strand). Cytogenetic location: 13q32.3.
Variant type: single nucleotide variant.
Coding change: c.1643+6G>A on transcript NM_000282.4 (MANE Select); 6 bases into the intron after coding-DNA position 1643, G replaced by A.
Molecular consequence: intron variant.
Genome position (GRCh38, 1-based): chr13:100,340,265, G>A. VCF-style: chr13-100340265-G-A. GRCh37 (hg19) VCF-style: chr13-100992519-G-A.
Other names: c.1643+6G>A (NM_001178004.2, NM_001352605.2, NM_001352609.2); c.1499+6G>A (NM_001352606.2); c.698+6G>A (NM_001352610.2, NM_001352611.2); c.554+6G>A (NM_001352612.2); c.1565+6G>A (NM_001127692.3, NM_001352607.2); c.1421+6G>A (NM_001352608.2).
Identifiers: ClinVar variation 2104586 (VCV002104586.1), dbSNP rs748896177, ClinGen allele CA7033733.